The following is an entry in ClinVar:

NM_006445.4(PRPF8):c.44C>T (p.Pro15Leu)

Gene: PRPF8 (pre-mRNA processing factor 8; minus strand). Cytogenetic location: 17p13.3.
Variant type: single nucleotide variant.
Coding change: c.44C>T on transcript NM_006445.4 (MANE Select); coding-DNA position 44, C replaced by T.
Protein change: p.Pro15Leu; replaces proline 15 with leucine.
Molecular consequence: missense variant.
Genome position (GRCh38, 1-based): chr17:1,684,528, G>A on the plus strand (C>T on the coding strand, the complement: PRPF8 is on the minus strand). VCF-style: chr17-1684528-G-A. GRCh37 (hg19) VCF-style: chr17-1587822-G-A.
Other names: short protein forms P15L.
Identifiers: ClinVar variation 3629445 (VCV003629445.2).

ClinVar aggregate classification (germline): Uncertain significance (1 of 4 stars; one submission).

gnomAD v4.1: 8 of 1,612,626 alleles (0.0005%); highest among the groups gnomAD compares: East Asian, 0.0022%; no homozygotes.

Submission:

Labcorp Genetics (formerly Invitae), Labcorp
Classification: Uncertain significance. Last evaluated: 2025-02-06. Review status: criteria provided, single submitter. Criteria: Invitae Variant Classification Sherloc (09022015). Collection method: clinical testing. Allele origin: germline.
Comment: This sequence change replaces proline, which is neutral and non-polar, with leucine, which is neutral and non-polar, at codon 15 of the PRPF8 protein (p.Pro15Leu). This variant is present in population databases (rs767606975, gnomAD 0.0009%). This variant has not been reported in the literature in individuals affected with PRPF8-related conditions. An algorithm developed to predict the effect of missense changes on protein structure and function (PolyPhen-2) suggests that this variant is likely to be tolerated. In summary, the available evidence is currently insufficient to determine the role of this variant in disease. Therefore, it has been classified as a Variant of Uncertain Significance.